The following is an entry in ClinVar:

NM_002878.4(RAD51D):c.809T>C (p.Phe270Ser)

Genes: RAD51L3-RFFL (RAD51L3-RFFL readthrough; minus strand), RAD51D (RAD51 paralog D; minus strand). Cytogenetic location: 17q12.
Variant type: single nucleotide variant.
Coding change: c.809T>C on transcript NM_002878.4 (MANE Select); coding-DNA position 809, T replaced by C.
Protein change: p.Phe270Ser; replaces phenylalanine 270 with serine.
Molecular consequence: missense variant. On other transcripts: non-coding transcript variant (3).
Genome position (GRCh38, 1-based): chr17:35,101,295, A>G on the plus strand (T>C on the coding strand, the complement: RAD51D is on the minus strand). VCF-style: chr17-35101295-A-G. GRCh37 (hg19) VCF-style: chr17-33428314-A-G.
Other names: c.869T>C, p.Phe290Ser (NM_001142571.2); c.473T>C, p.Phe158Ser (NM_133629.3); short protein forms F290S, F270S, F158S.
Identifiers: ClinVar variation 1041684 (VCV001041684.5), dbSNP rs2091534078, ClinGen allele CA399086791.

ClinVar aggregate classification (germline): Uncertain significance (1 of 4 stars; one submission).

Conditions:
Breast-ovarian cancer, familial, susceptibility to, 4. Identifiers: Orphanet 145, MedGen C3280345, MONDO:0013669, OMIM 614291.

Submission:

Labcorp Genetics (formerly Invitae), Labcorp
Classification: Uncertain significance for Breast-ovarian cancer, familial, susceptibility to, 4. Last evaluated: 2021-04-13. Review status: criteria provided, single submitter. Criteria: Invitae Variant Classification Sherloc (09022015). Collection method: clinical testing. Allele origin: germline.
Comment: This variant is not present in population databases (ExAC no frequency). This variant has not been reported in the literature in individuals with RAD51D-related conditions. Algorithms developed to predict the effect of missense changes on protein structure and function are either unavailable or do not agree on the potential impact of this missense change (SIFT: "Tolerated"; PolyPhen-2: "Probably Damaging"; Align-GVGD: "Class C0"). In summary, the available evidence is currently insufficient to determine the role of this variant in disease. Therefore, it has been classified as a Variant of Uncertain Significance. This sequence change replaces phenylalanine with serine at codon 270 of the RAD51D protein (p.Phe270Ser). The phenylalanine residue is moderately conserved and there is a large physicochemical difference between phenylalanine and serine.